The following is an entry in ClinVar:

ClinVar aggregate classification (germline): Likely benign. Review status: criteria provided, multiple submitters, no conflicts (2 of 4 stars). 7 submissions from 7 submitters: Likely benign (4). 3 of the submissions do not count toward it. Last evaluated 2025-12-08.

Conditions:
Cardiovascular phenotype. Identifiers: MedGen CN230736.
CACNA2D1-related disorder. Also called: CACNA2D1-related condition.
Brugada syndrome. Also called: Sudden unexplained nocturnal death syndrome; Sudden Unexplained Death Syndrome; Sudden Unexplained Nocturnal Death Syndrome (SUNDS); Sudden unexpected nocturnal death syndrome. Identifiers: Orphanet 130, MedGen C1142166, MONDO:0015263.

Allele frequency attached by ClinVar (database versions not stated): ExAC 0.00005; gnomAD 0.00011 and 0.00010; gnomAD exomes 0.00014 and 0.00012; TOPMed 0.00012; ESP Exome Variant Server 0.00023.
gnomAD v4.1: 203 of 1,548,276 alleles (0.013%); highest among the groups gnomAD compares: Middle Eastern, 0.017%; no homozygotes.

Submissions (7):

Labcorp Genetics (formerly Invitae), Labcorp
Classification: Likely benign for Brugada syndrome. Last evaluated: 2025-12-08. Review status: criteria provided, single submitter. Criteria: Invitae Variant Classification Sherloc (09022015). Collection method: clinical testing. Allele origin: germline.

Athena Diagnostics
Classification: Likely benign. Last evaluated: 2024-10-21. Review status: criteria provided, single submitter. Criteria: Athena Diagnostics Criteria. Collection method: clinical testing. Allele origin: unknown.

GeneDx
Classification: Likely benign. Last evaluated: 2020-06-24. Review status: criteria provided, single submitter. Criteria: GeneDx Variant Classification Process June 2021. Collection method: clinical testing. Allele origin: germline. Affected: yes.

Ambry Genetics
Classification: Likely benign for Cardiovascular phenotype. Last evaluated: 2020-03-20. Review status: criteria provided, single submitter. Criteria: Ambry Variant Classification Scheme 2023. Collection method: clinical testing. Allele origin: germline.

PreventionGenetics, part of Exact Sciences
Classification: Likely benign for CACNA2D1-related condition. Last evaluated: 2019-11-05. Review status: no assertion criteria provided. Collection method: clinical testing. Allele origin: germline. Not counted in ClinVar's aggregate classification.
Comment: This variant is classified as likely benign based on ACMG/AMP sequence variant interpretation guidelines (Richards et al. 2015 PMID: 25741868, with internal and published modifications).

Clinical Genetics, Academic Medical Center
Classification: Benign. Review status: no assertion criteria provided. Collection method: clinical testing. Allele origin: germline. Affected: yes. Study: VKGL Data-share Consensus. Not counted in ClinVar's aggregate classification.

Joint Genome Diagnostic Labs from Nijmegen and Maastricht, Radboudumc and MUMC+
Classification: Likely benign. Review status: no assertion criteria provided. Collection method: clinical testing. Allele origin: germline. Affected: yes. Study: VKGL Data-share Consensus. Not counted in ClinVar's aggregate classification.

NM_000722.4(CACNA2D1):c.1686G>C (p.Gly562=)

Gene: CACNA2D1 (calcium voltage-gated channel auxiliary subunit alpha2delta 1; minus strand). Cytogenetic location: 7q21.11.
Variant type: single nucleotide variant.
Coding change: c.1686G>C on transcript NM_000722.4 (MANE Select); coding-DNA position 1686, G replaced by C.
Protein change: p.Gly562=; no amino-acid change (glycine 562 retained).
Molecular consequence: synonymous variant.
Genome position (GRCh38, 1-based): chr7:81,994,916, C>G on the plus strand (G>C on the coding strand, the complement: CACNA2D1 is on the minus strand). VCF-style: chr7-81994916-C-G. GRCh37 (hg19) VCF-style: chr7-81624232-C-G.
Other names: c.1743G>C, p.Gly581= (NM_001366867.1).
Identifiers: ClinVar variation 696547 (VCV000696547.21), dbSNP rs148283249, ClinGen allele CA4317941.